The following is an entry in ClinVar:

NM_004656.4(BAP1):c.1477A>G (p.Thr493Ala)

Gene: BAP1 (BRCA1 associated deubiquitinase 1; minus strand). Cytogenetic location: 3p21.1.
Variant type: single nucleotide variant.
Coding change: c.1477A>G on transcript NM_004656.4 (MANE Select); coding-DNA position 1477, A replaced by G.
Protein change: p.Thr493Ala; replaces threonine 493 with alanine.
Molecular consequence: missense variant.
Genome position (GRCh38, 1-based): chr3:52,403,668, T>C on the plus strand (A>G on the coding strand, the complement: BAP1 is on the minus strand). VCF-style: chr3-52403668-T-C. GRCh37 (hg19) VCF-style: chr3-52437684-T-C.
Other names: short protein forms T493A.
Identifiers: ClinVar variation 1379929 (VCV001379929.8), dbSNP rs2153226702, ClinGen allele CA353101090.

ClinVar aggregate classification (germline): Uncertain significance (1 of 4 stars; one submission).

Conditions:
BAP1-related tumor predisposition syndrome (TPDS1). Also called: BAP1 tumor predisposition syndrome; Tumor susceptibility linked to germline BAP1 mutations; COMMON Syndrome; TUMOR PREDISPOSITION SYNDROME 1. Identifiers: Orphanet 289539, MedGen C3280492, MONDO:0013692, OMIM 614327.

gnomAD v4.1: 1 of 1,613,880 alleles (0.000062%); highest among the groups gnomAD compares: East Asian, 0.0022%; no homozygotes.

Submission:

Labcorp Genetics (formerly Invitae), Labcorp
Classification: Uncertain significance for BAP1-related tumor predisposition syndrome. Last evaluated: 2020-11-21. Review status: criteria provided, single submitter. Criteria: Invitae Variant Classification Sherloc (09022015). Collection method: clinical testing. Allele origin: germline.
Comment: In summary, the available evidence is currently insufficient to determine the role of this variant in disease. Therefore, it has been classified as a Variant of Uncertain Significance. Algorithms developed to predict the effect of missense changes on protein structure and function are either unavailable or do not agree on the potential impact of this missense change (SIFT: "Deleterious"; PolyPhen-2: "Benign"; Align-GVGD: "Class C0"). This variant has not been reported in the literature in individuals with BAP1-related conditions. This variant is not present in population databases (ExAC no frequency). This sequence change replaces threonine with alanine at codon 493 of the BAP1 protein (p.Thr493Ala). The threonine residue is highly conserved and there is a small physicochemical difference between threonine and alanine.